The following is an entry in ClinVar:

NM_001039348.3(EFEMP1):c.714G>T (p.Gln238His)

Gene: EFEMP1 (EGF-like fibulin extracellular matrix protein 1; minus strand). Cytogenetic location: 2p16.1.
Variant type: single nucleotide variant.
Coding change: c.714G>T on transcript NM_001039348.3 (MANE Select); coding-DNA position 714, G replaced by T.
Protein change: p.Gln238His; replaces glutamine 238 with histidine.
Molecular consequence: missense variant.
Genome position (GRCh38, 1-based): chr2:55,877,792, C>A on the plus strand (G>T on the coding strand, the complement: EFEMP1 is on the minus strand). VCF-style: chr2-55877792-C-A. GRCh37 (hg19) VCF-style: chr2-56104927-C-A.
Other names: c.714G>T, p.Gln238His (NM_001039349.3); short protein forms Q238H.
Identifiers: ClinVar variation 1490378 (VCV001490378.9), dbSNP rs754072239, ClinGen allele CA1668853.

ClinVar aggregate classification (germline): Uncertain significance. Review status: criteria provided, multiple submitters, no conflicts (2 of 4 stars). 2 submissions from 2 submitters: Uncertain significance (2). Last evaluated 2025-07-21.

Allele frequency attached by ClinVar (database versions not stated): ExAC 0.00002.
gnomAD v4.1: 14 of 1,613,288 alleles (0.00087%); highest among the groups gnomAD compares: South Asian, 0.013%; no homozygotes.

Submissions (2):

Labcorp Genetics (formerly Invitae), Labcorp
Classification: Uncertain significance. Last evaluated: 2025-07-21. Review status: criteria provided, single submitter. Criteria: Invitae Variant Classification Sherloc (09022015). Collection method: clinical testing. Allele origin: germline.
Comment: This sequence change replaces glutamine, which is neutral and polar, with histidine, which is basic and polar, at codon 238 of the EFEMP1 protein (p.Gln238His). This variant is present in population databases (rs754072239, gnomAD 0.007%). This variant has not been reported in the literature in individuals affected with EFEMP1-related conditions. ClinVar contains an entry for this variant (Variation ID: 1490378). Invitae Evidence Modeling of protein sequence and biophysical properties (such as structural, functional, and spatial information, amino acid conservation, physicochemical variation, residue mobility, and thermodynamic stability) indicates that this missense variant is not expected to disrupt EFEMP1 protein function with a negative predictive value of 80%. In summary, the available evidence is currently insufficient to determine the role of this variant in disease. Therefore, it has been classified as a Variant of Uncertain Significance.

Blueprint Genetics
Classification: Uncertain significance. Last evaluated: 2022-06-14. Review status: criteria provided, single submitter. Criteria: ACMG Guidelines, 2015. Collection method: clinical testing. Allele origin: germline.